The following is an entry in ClinVar:

ClinVar aggregate classification (germline): Likely pathogenic (1 of 4 stars; one submission).

Conditions:
Intellectual developmental disorder, autosomal dominant 45. Also called: MENTAL RETARDATION, AUTOSOMAL DOMINANT 45; Intellectual disability, autosomal dominant 45. Identifiers: MedGen C4539848, MONDO:0030910, OMIM 617600.

Submission:

Variantyx, Inc.
Classification: Likely pathogenic for Intellectual developmental disorder, autosomal dominant 45. Last evaluated: 2025-08-20. Review status: criteria provided, single submitter. Criteria: Variantyx Assertion Criteria 2022. Collection method: clinical testing. Allele origin: germline. Inheritance: Autosomal dominant inheritance. Affected: yes.
Comment: This is a frameshift variant in the CIC gene (OMIM: 612082). Pathogenic variants in this gene have been associated with autosomal dominant intellectual developmental disorder 45. This variant introduces a premature termination codon in exon 15 out of 21 and is expected to result in loss of function, which is a known disease mechanism for CIC in this disorder (PMID: 28263302, 28288114) (PVS1). This variant is absent from control populations (PM2). Based on the current evidence, this variant is classified as likely pathogenic for autosomal dominant intellectual developmental disorder 45.

Literature cited by the submitters: PubMed 28263302; PubMed 28288114.

NM_001386298.1(CIC):c.6077del (p.Ser2026fs)

Gene: CIC (capicua transcriptional repressor; plus strand). Cytogenetic location: 19q13.2.
Variant type: Deletion.
Coding change: c.6077del on transcript NM_001386298.1 (MANE Select); coding-DNA position 6077, one base deleted (G; older notation c.6077delG).
Protein change: p.Ser2026fs; shifts the reading frame from serine 2026.
Molecular consequence: frameshift variant.
Genome position (GRCh38, 1-based): chr19:42,292,740, G deleted. VCF-style (leftmost placement, unchanged base first): chr19-42292739-AG-A. GRCh37 (hg19) VCF-style: chr19-42796891-AG-A.
Other names: c.6077del, p.Ser2026fs (NM_001304815.2, NM_001379480.1, NM_001379482.1 and 6 more transcripts); c.3350del, p.Ser1117fs (NM_001379484.1, NM_001379485.1, NM_001439189.1 and 2 more transcripts); c.3347del, p.Ser1116fs (NM_001439191.1); short protein forms S1116fs, S1117fs, S2026fs.
Identifiers: ClinVar variation 4850780 (VCV004850780.1).